The following is an entry in ClinVar:

NM_001401501.2(MUC16):c.19451C>T (p.Thr6484Ile)

Gene: MUC16 (mucin 16, cell surface associated; minus strand). Cytogenetic location: 19p13.2.
Variant type: single nucleotide variant.
Coding change: c.19451C>T on transcript NM_001401501.2 (MANE Select); coding-DNA position 19451, C replaced by T.
Protein change: p.Thr6484Ile; replaces threonine 6484 with isoleucine.
Molecular consequence: missense variant.
Genome position (GRCh38, 1-based): chr19:8,957,439, G>A on the plus strand (C>T on the coding strand, the complement: MUC16 is on the minus strand). VCF-style: chr19-8957439-G-A. GRCh37 (hg19) VCF-style: chr19-9068115-G-A.
Other names: c.19877C>T, p.Thr6626Ile (NM_001414686.1); c.19331C>T, p.Thr6444Ile (NM_001414687.1, NM_024690.2); short protein forms T6444I, T6484I, T6626I.
Identifiers: ClinVar variation 2649249 (VCV002649249.24), dbSNP rs61747870, ClinGen allele CA9169516.

ClinVar aggregate classification (germline): Likely benign (1 of 4 stars; one submission).

Allele frequency attached by ClinVar (database versions not stated): ESP Exome Variant Server 0.00113; 1000 Genomes Project 0.00140; 1000 Genomes Project 30x 0.00141.

Submission:

CeGaT Center for Human Genetics Tuebingen
Classification: Likely benign. Last evaluated: 2022-12-01. Review status: criteria provided, single submitter. Criteria: CeGaT Center For Human Genetics Tuebingen Variant Classification Criteria Version 2. Collection method: clinical testing. Allele origin: germline. Affected: yes. Observed: 1 variant allele.
Comment: MUC16: BP4, BS2